The following is an entry in ClinVar:

ClinVar aggregate classification (germline): Benign (1 of 4 stars; one submission).

Allele frequency attached by ClinVar (database versions not stated): TOPMed 0.93226; 1000 Genomes Project 0.93231; 1000 Genomes Project 30x 0.93348; gnomAD 0.93806 and 0.93959.
gnomAD v4.1: 142,796 of 152,226 alleles (94%); highest among the groups gnomAD compares: African/African-American, 99%; 67,106 homozygotes.

Submission:

GeneDx
Classification: Benign. Last evaluated: 2018-06-14. Review status: criteria provided, single submitter. Criteria: GeneDx Variant Classification (06012015). Collection method: clinical testing. Allele origin: germline. Affected: yes.
Comment: This variant is considered likely benign or benign based on one or more of the following criteria: it is a conservative change, it occurs at a poorly conserved position in the protein, it is predicted to be benign by multiple in silico algorithms, and/or has population frequency not consistent with disease.

NM_020408.6(LYRM4):c.208-220G>A

Genes: LYRM4 (LYR motif containing 4; minus strand), LYRM4-AS1 (LYRM4 antisense RNA 1; plus strand). Cytogenetic location: 6p25.1.
Variant type: single nucleotide variant.
Coding change: c.208-220G>A on transcript NM_020408.6 (MANE Select); 220 bases into the intron before coding-DNA position 208, G replaced by A.
Molecular consequence: intron variant.
Genome position (GRCh38, 1-based): chr6:5,109,711, C>T on the plus strand (G>A on the coding strand, the complement: LYRM4 is on the minus strand). VCF-style: chr6-5109711-C-T. GRCh37 (hg19) VCF-style: chr6-5109945-C-T.
Other names: c.208-41045G>A (NM_001318783.1); c.*42-220G>A (NM_001164841.3).
Identifiers: ClinVar variation 680632 (VCV000680632.1), dbSNP rs434706, ClinGen allele CA12411092.
Genomic context (GRCh38, chr6:5,109,711, plus strand): 5'-ACCATCCAACCCCCGTTTCCCTCACTGTGAGAAGTTACAGAGATCCACACACCCATTCCT[C>T]CCCTCTGAAACAGCACAGGAGGCTGCAGCCTGGGACTCGGGGCTGTGCTGAGCTGGGTGA-3'